The following is an entry in ClinVar:

NM_000553.6(WRN):c.419T>C (p.Ile140Thr)

Gene: WRN (WRN RecQ like helicase; plus strand). Cytogenetic location: 8p12.
Variant type: single nucleotide variant.
Coding change: c.419T>C on transcript NM_000553.6 (MANE Select); coding-DNA position 419, T replaced by C.
Protein change: p.Ile140Thr; replaces isoleucine 140 with threonine.
Molecular consequence: missense variant.
Genome position (GRCh38, 1-based): chr8:31,064,978, T>C. VCF-style: chr8-31064978-T-C. GRCh37 (hg19) VCF-style: chr8-30922494-T-C.
Other names: short protein forms I140T.
Identifiers: ClinVar variation 949890 (VCV000949890.6), dbSNP rs1812637187, ClinGen allele CA370914765.
Genomic context (GRCh38, chr8:31,064,978, plus strand): 5'-TTCCCCAGGGATTAAAAATGTTGCTTGAAAATAAAGCAGTTAAAAAGGCAGGTGTAGGAA[T>C]TGAAGGAGATCAGTGGAAACTTCTACGTGACTTTGATATCAAATTGAAGAATTTTGTGGA-3'
Protein context (NP_000544.2, residues 130-150): NKAVKKAGVG[Ile140Thr]EGDQWKLLRD

ClinVar aggregate classification (germline): Uncertain significance (1 of 4 stars; one submission).

Conditions:
Werner syndrome (WRN). Identifiers: Orphanet 902, MedGen C0043119, MONDO:0010196, OMIM 277700.

Submission:

Labcorp Genetics (formerly Invitae), Labcorp
Classification: Uncertain significance for Werner syndrome. Last evaluated: 2024-05-21. Review status: criteria provided, single submitter. Criteria: Invitae Variant Classification Sherloc (09022015). Collection method: clinical testing. Allele origin: germline.
Comment: This sequence change replaces isoleucine with threonine at codon 140 of the WRN protein (p.Ile140Thr). The isoleucine residue is highly conserved and there is a moderate physicochemical difference between isoleucine and threonine. This variant is not present in population databases (gnomAD no frequency). This variant has not been reported in the literature in individuals affected with WRN-related conditions. ClinVar contains an entry for this variant (Variation ID: 949890). An algorithm developed to predict the effect of missense changes on protein structure and function (PolyPhen-2) suggests that this variant is likely to be disruptive. In summary, the available evidence is currently insufficient to determine the role of this variant in disease. Therefore, it has been classified as a Variant of Uncertain Significance.